The following is an entry in ClinVar:

NM_002074.5(GNB1):c.204-7C>A

Gene: GNB1 (G protein subunit beta 1; minus strand). Cytogenetic location: 1p36.33.
Variant type: single nucleotide variant.
Coding change: c.204-7C>A on transcript NM_002074.5 (MANE Select); 7 bases into the intron before coding-DNA position 204, C replaced by A.
Molecular consequence: intron variant.
Genome position (GRCh38, 1-based): chr1:1,806,545, G>T on the plus strand (C>A on the coding strand, the complement: GNB1 is on the minus strand). VCF-style: chr1-1806545-G-T. GRCh37 (hg19) VCF-style: chr1-1737984-G-T.
Other names: c.204-7C>A (NM_001282539.2, NM_002074.4); c.-97-7C>A (NM_001282538.2).
Identifiers: ClinVar variation 1383100 (VCV001383100.7), dbSNP rs375820150, ClinGen allele CA532093.

ClinVar aggregate classification (germline): Likely benign. Review status: criteria provided, multiple submitters, no conflicts (2 of 4 stars). 2 submissions from 2 submitters: Likely benign (2). Last evaluated 2025-04-29.

Conditions:
GNB1-related disorder. Also called: GNB1-related condition.

Allele frequency attached by ClinVar (database versions not stated): gnomAD 0.00001 and 0.00002; TOPMed 0.00002; ExAC 0.00007; ESP Exome Variant Server 0.00008.
gnomAD v4.1: 72 of 1,600,936 alleles (0.0045%); highest among the groups gnomAD compares: Middle Eastern, 0.049%; no homozygotes.

Submissions (2):

PreventionGenetics, part of Exact Sciences
Classification: Likely benign for GNB1-related condition. Last evaluated: 2025-04-29. Review status: criteria provided, single submitter. Criteria: ACMG Guidelines, 2015. Collection method: clinical testing. Allele origin: germline.
Comment: This variant is classified as likely benign based on ACMG/AMP sequence variant interpretation guidelines (Richards et al. 2015 PMID: 25741868, with internal and published modifications).

Labcorp Genetics (formerly Invitae), Labcorp
Classification: Likely benign. Last evaluated: 2025-03-25. Review status: criteria provided, single submitter. Criteria: Invitae Variant Classification Sherloc (09022015). Collection method: clinical testing. Allele origin: germline.